The following is an entry in ClinVar:

NM_001164508.2(NEB):c.7538A>G (p.Lys2513Arg)

Gene: NEB (nebulin; minus strand). Cytogenetic location: 2q23.3.
Variant type: single nucleotide variant.
Coding change: c.7538A>G on transcript NM_001164508.2 (MANE Select); coding-DNA position 7538, A replaced by G.
Protein change: p.Lys2513Arg; replaces lysine 2513 with arginine.
Molecular consequence: missense variant.
Genome position (GRCh38, 1-based): chr2:151,644,574, T>C on the plus strand (A>G on the coding strand, the complement: NEB is on the minus strand). VCF-style: chr2-151644574-T-C. GRCh37 (hg19) VCF-style: chr2-152501088-T-C.
Other names: c.7538A>G, p.Lys2513Arg (NM_001164507.2, NM_001271208.2, NM_004543.5); short protein forms K2513R.
Identifiers: ClinVar variation 1490758 (VCV001490758.5), dbSNP rs190059793, ClinGen allele CA1909818.

ClinVar aggregate classification (germline): Uncertain significance (1 of 4 stars; one submission).

Conditions:
Nemaline myopathy 2 (NEM2). Also called: Nemaline myopathy 2, autosomal recessive. Identifiers: MedGen C1850569, MONDO:0009725, OMIM 256030.

Allele frequency attached by ClinVar (database versions not stated): gnomAD exomes below 0.00001; ExAC 0.00001; gnomAD 0.00001; 1000 Genomes Project 30x 0.00016; 1000 Genomes Project 0.00020.
gnomAD v4.1: 3 of 1,610,792 alleles (0.00019%); highest among the groups gnomAD compares: African/African-American, 0.0027%; no homozygotes.

Submission:

Labcorp Genetics (formerly Invitae), Labcorp
Classification: Uncertain significance for Nemaline myopathy 2. Last evaluated: 2021-09-17. Review status: criteria provided, single submitter. Criteria: Invitae Variant Classification Sherloc (09022015). Collection method: clinical testing. Allele origin: germline.
Comment: This sequence change replaces lysine with arginine at codon 2513 of the NEB protein (p.Lys2513Arg). The lysine residue is moderately conserved and there is a small physicochemical difference between lysine and arginine. This variant is present in population databases (rs190059793, ExAC 0.01%). This variant has not been reported in the literature in individuals affected with NEB-related conditions. Algorithms developed to predict the effect of missense changes on protein structure and function are either unavailable or do not agree on the potential impact of this missense change (SIFT: "Deleterious"; PolyPhen-2: "Not Available"; Align-GVGD: "Class C0"). In summary, the available evidence is currently insufficient to determine the role of this variant in disease. Therefore, it has been classified as a Variant of Uncertain Significance.